The following is an entry in ClinVar:

ClinVar aggregate classification (germline): Benign. Review status: criteria provided, single submitter (1 of 4 stars). 2 submissions from 2 submitters: Benign (1). 1 of the submissions does not count toward it. Last evaluated 2023-07-22.

Conditions:
CREBBP-related disorder. Also called: CREBBP-related condition; CREBBP-related disorders.
Rubinstein-Taybi syndrome (RSTS). Identifiers: Orphanet 783, MedGen C0035934, MONDO:0019188.

Allele frequency attached by ClinVar (database versions not stated): gnomAD 0.00001; TOPMed 0.00004.
gnomAD v4.1: 4 of 1,614,108 alleles (0.00025%); highest among the groups gnomAD compares: African/African-American, 0.004%; no homozygotes.

Submissions (2):

Labcorp Genetics (formerly Invitae), Labcorp
Classification: Benign for Rubinstein-Taybi syndrome. Last evaluated: 2023-07-22. Review status: criteria provided, single submitter. Criteria: Invitae Variant Classification Sherloc (09022015). Collection method: clinical testing. Allele origin: germline.

PreventionGenetics, part of Exact Sciences
Classification: Likely benign for CREBBP-related condition. Last evaluated: 2023-10-04. Review status: no assertion criteria provided. Collection method: clinical testing. Allele origin: germline. Not counted in ClinVar's aggregate classification.
Comment: This variant is classified as likely benign based on ACMG/AMP sequence variant interpretation guidelines (Richards et al. 2015 PMID: 25741868, with internal and published modifications).

NM_004380.3(CREBBP):c.4767C>T (p.Asn1589=)

Gene: CREBBP (CREB binding lysine acetyltransferase; minus strand). Cytogenetic location: 16p13.3.
Variant type: single nucleotide variant.
Coding change: c.4767C>T on transcript NM_004380.3 (MANE Select); coding-DNA position 4767, C replaced by T.
Protein change: p.Asn1589=; no amino-acid change (asparagine 1589 retained).
Molecular consequence: synonymous variant.
Genome position (GRCh38, 1-based): chr16:3,731,899, G>A on the plus strand (C>T on the coding strand, the complement: CREBBP is on the minus strand). VCF-style: chr16-3731899-G-A. GRCh37 (hg19) VCF-style: chr16-3781900-G-A.
Other names: c.4767C>T (NM_004380.2); c.4653C>T, p.Asn1551= (NM_001079846.1).
Identifiers: ClinVar variation 3021914 (VCV003021914.5), dbSNP rs1454603838, ClinGen allele CA493277451.